The following is an entry in ClinVar:

ClinVar aggregate classification (germline): Uncertain significance (1 of 4 stars; one submission).

Conditions:
Hypoplastic enamel-onycholysis-hypohidrosis syndrome (TNS). Also called: WITKOP SYNDROME; Tooth-and-Nail Syndrome; NAIL DYSPLASIA WITH HYPODONTIA; ECTODERMAL DYSPLASIA 3, WITKOP TYPE; ECTODERMAL DYSPLASIA 3, TOOTH/NAIL TYPE. Identifiers: Orphanet 2228, MedGen C0406735, MONDO:0008582, OMIM 189500.

Submission:

Labcorp Genetics (formerly Invitae), Labcorp
Classification: Uncertain significance for Hypoplastic enamel-onycholysis-hypohidrosis syndrome. Last evaluated: 2022-07-07. Review status: criteria provided, single submitter. Criteria: Invitae Variant Classification Sherloc (09022015). Collection method: clinical testing. Allele origin: germline.
Comment: This sequence change replaces methionine, which is neutral and non-polar, with isoleucine, which is neutral and non-polar, at codon 146 of the MSX1 protein (p.Met146Ile). The frequency data for this variant in the population databases is considered unreliable, as metrics indicate poor data quality at this position in the gnomAD database. This variant has not been reported in the literature in individuals affected with MSX1-related conditions. Algorithms developed to predict the effect of missense changes on protein structure and function (SIFT, PolyPhen-2, Align-GVGD) all suggest that this variant is likely to be tolerated. In summary, the available evidence is currently insufficient to determine the role of this variant in disease. Therefore, it has been classified as a Variant of Uncertain Significance.

NM_002448.3(MSX1):c.438G>A (p.Met146Ile)

Gene: MSX1 (msh homeobox 1; plus strand). Cytogenetic location: 4p16.2.
Variant type: single nucleotide variant.
Coding change: c.438G>A on transcript NM_002448.3 (MANE Select); coding-DNA position 438, G replaced by A.
Protein change: p.Met146Ile; replaces methionine 146 with isoleucine.
Molecular consequence: missense variant.
Genome position (GRCh38, 1-based): chr4:4,860,337, G>A. VCF-style: chr4-4860337-G-A. GRCh37 (hg19) VCF-style: chr4-4862064-G-A.
Other names: short protein forms M146I.
Identifiers: ClinVar variation 2161115 (VCV002161115.4), dbSNP rs774512352, ClinGen allele CA2832971.